The following is an entry in ClinVar:

NM_000352.6(ABCC8):c.1848T>G (p.Ser616Arg)

Gene: ABCC8 (ATP binding cassette subfamily C member 8; minus strand). Cytogenetic location: 11p15.1.
Variant type: single nucleotide variant.
Coding change: c.1848T>G on transcript NM_000352.6 (MANE Select); coding-DNA position 1848, T replaced by G.
Protein change: p.Ser616Arg; replaces serine 616 with arginine.
Molecular consequence: missense variant. On other transcripts: non-coding transcript variant (1).
Genome position (GRCh38, 1-based): chr11:17,428,640, A>C on the plus strand (T>G on the coding strand, the complement: ABCC8 is on the minus strand). VCF-style: chr11-17428640-A-C. GRCh37 (hg19) VCF-style: chr11-17450187-A-C.
Other names: c.1848T>G, p.Ser616Arg (NM_001287174.3, NM_001351295.2); c.1845T>G, p.Ser615Arg (NM_001351296.2, NM_001351297.2); short protein forms S615R, S616R.
Identifiers: ClinVar variation 5037185 (VCV005037185.1).

ClinVar aggregate classification (germline): Uncertain significance (1 of 4 stars; one submission).

Submission:

GeneDx
Classification: Uncertain significance. Last evaluated: 2026-04-14. Review status: criteria provided, single submitter. Criteria: GeneDx Variant Classification Process June 2021. Collection method: clinical testing. Allele origin: germline.
Comment: Not observed at significant frequency in large population cohorts (gnomAD); In silico analysis supports that this missense variant has a deleterious effect on protein structure/function; In silico analysis is inconclusive as to whether the variant alters gene splicing. In the absence of RNA/functional studies, the actual effect of this sequence change is unknown.; Has not been previously published as pathogenic or benign to our knowledge